The following is an entry in ClinVar:

ClinVar aggregate classification (germline): Uncertain significance (1 of 4 stars; one submission).

Conditions:
Bardet-Biedl syndrome (BBS). Identifiers: Orphanet 110, MedGen C0752166, MONDO:0015229.

Allele frequency attached by ClinVar (database versions not stated): gnomAD exomes below 0.00001.
gnomAD v4.1: 1 of 1,614,170 alleles (0.000062%); highest among the groups gnomAD compares: South Asian, 0.0011%; no homozygotes.

Submission:

Labcorp Genetics (formerly Invitae), Labcorp
Classification: Uncertain significance for Bardet-Biedl syndrome. Last evaluated: 2022-09-13. Review status: criteria provided, single submitter. Criteria: Invitae Variant Classification Sherloc (09022015). Collection method: clinical testing. Allele origin: germline.
Comment: This sequence change replaces methionine, which is neutral and non-polar, with threonine, which is neutral and polar, at codon 483 of the BBS2 protein (p.Met483Thr). This variant is not present in population databases (gnomAD no frequency). This variant has not been reported in the literature in individuals affected with BBS2-related conditions. Advanced modeling of protein sequence and biophysical properties (such as structural, functional, and spatial information, amino acid conservation, physicochemical variation, residue mobility, and thermodynamic stability) performed at Invitae indicates that this missense variant is not expected to disrupt BBS2 protein function. In summary, the available evidence is currently insufficient to determine the role of this variant in disease. Therefore, it has been classified as a Variant of Uncertain Significance.

NM_031885.5(BBS2):c.1448T>C (p.Met483Thr)

Gene: BBS2 (Bardet-Biedl syndrome 2; minus strand). Cytogenetic location: 16q13.
Variant type: single nucleotide variant.
Coding change: c.1448T>C on transcript NM_031885.5 (MANE Select); coding-DNA position 1448, T replaced by C.
Protein change: p.Met483Thr; replaces methionine 483 with threonine.
Molecular consequence: missense variant. On other transcripts: non-coding transcript variant (5).
Genome position (GRCh38, 1-based): chr16:56,499,857, A>G on the plus strand (T>C on the coding strand, the complement: BBS2 is on the minus strand). VCF-style: chr16-56499857-A-G. GRCh37 (hg19) VCF-style: chr16-56533769-A-G.
Other names: c.1448T>C, p.Met483Thr (NM_001377456.1); short protein forms M483T.
Identifiers: ClinVar variation 2420175 (VCV002420175.3), dbSNP rs2543704470, ClinGen allele CA395978002.